The following is an entry in ClinVar:

ClinVar aggregate classification (germline): Uncertain significance. Review status: criteria provided, multiple submitters, no conflicts (2 of 4 stars). 7 submissions from 7 submitters: Uncertain significance (7). Last evaluated 2024-03-07.

Conditions:
Hypertrophic cardiomyopathy 1 (CMH1). Also called: Familial hypertrophic cardiomyopathy 1; MYH7-Related Familial Hypertrophic Cardiomyopathy. Identifiers: MedGen C3495498, MONDO:0008647, OMIM 192600.
Congenital myopathy with fiber type disproportion. Also called: Congenital fiber-type disproportion myopathy; Congenital fiber-type disproportion. Identifiers: Orphanet 2020, MedGen C0546264, MONDO:0009711. Inheritance: all.
MYH7-related skeletal myopathy. Also called: MYOPATHY, DISTAL, EARLY-ONSET, AUTOSOMAL DOMINANT; Myopathy, distal, 1; MYOPATHY, LATE DISTAL HEREDITARY; Laing early-onset distal myopathy; Laing distal myopathy. Identifiers: Orphanet 59135, MedGen C4552004, MONDO:0008050, OMIM 160500.
Myopathy, myosin storage, autosomal recessive (CMYO7B). Also called: CONGENITAL MYOPATHY 7B, MYOSIN STORAGE, AUTOSOMAL RECESSIVE. Identifiers: Orphanet 636970, MedGen C1850709, MONDO:0009708, OMIM 255160.
Myosin storage myopathy (CMYO7A). Also called: MYOPATHY, HYALINE BODY, AUTOSOMAL DOMINANT; SCAPULOPERONEAL MUSCULAR DYSTROPHY; SCAPULOPERONEAL SYNDROME, MYOPATHIC TYPE; MYH7-related late-onset scapuloperoneal muscular dystrophy; Congenital myopathy 7A, myosin storage, autosomal dominant; Scapuloperoneal myopathy, MYH7-related. Identifiers: Orphanet 437572, Orphanet 636965, MedGen C1842160, MONDO:0008409, OMIM 608358.
Dilated cardiomyopathy 1S (CMD1S). Identifiers: Orphanet 154, Orphanet 54260, MedGen C1834481, MONDO:0013262, OMIM 613426.
Cardiomyopathy (CMYO). Also called: Cardiomyopathies. Identifiers: Orphanet 167848, MedGen C0878544, MONDO:0004994, HP:0001638. Inheritance: Various modes of inheritance.
Hypertrophic cardiomyopathy. Also called: HYPERTROPHIC MYOCARDIOPATHY. Identifiers: Orphanet 217569, MedGen C0007194, MeSH D002312, MONDO:0005045, HP:0001639.
Primary familial dilated cardiomyopathy (FDC). Also called: Hypokinetic dilated cardiomyopathy, familial; Familial dilated cardiomyopathy. Identifiers: Orphanet 217607, MedGen C0340427, MONDO:0016333.

Submissions (7):

Color Diagnostics, LLC DBA Color Health
Classification: Uncertain significance for Cardiomyopathy. Last evaluated: 2024-03-07. Review status: criteria provided, single submitter. Criteria: ACMG Guidelines, 2015. Collection method: clinical testing. Allele origin: germline.
Comment: This missense variant replaces phenylalanine with leucine at codon 312 of the MYH7 protein. Computational prediction is inconclusive regarding the impact of this variant on protein structure and function. To our knowledge, functional studies have not been reported for this variant. This variant has not been reported in individuals affected with MYH7-related disorders in the literature. This variant has been identified in 1/251404 chromosomes in the general population by the Genome Aggregation Database (gnomAD). The available evidence is insufficient to determine the role of this variant in disease conclusively. Therefore, this variant is classified as a Variant of Uncertain Significance.

All of Us Research Program, National Institutes of Health
Classification: Uncertain significance for Cardiomyopathy. Last evaluated: 2023-12-13. Review status: criteria provided, single submitter. Criteria: ACMG Guidelines, 2015. Collection method: clinical testing. Allele origin: germline. Inheritance: Autosomal dominant inheritance. Observed: 2 variant alleles, 2 heterozygotes.
Comment: This missense variant replaces phenylalanine with leucine at codon 312 of the MYH7 protein. Computational prediction is inconclusive regarding the impact of this variant on protein structure and function (internally defined REVEL score threshold 0.5 < inconclusive < 0.7, PMID: 27666373). To our knowledge, functional studies have not been reported for this variant. This variant has not been reported in individuals affected with MYH7-related disorders in the literature. This variant has been identified in 1/251404 chromosomes in the general population by the Genome Aggregation Database (gnomAD). The available evidence is insufficient to determine the role of this variant in disease conclusively. Therefore, this variant is classified as a Variant of Uncertain Significance.

This study involves interpretation of variants in research participants for the purpose of population health screening. Participant phenotype was not available at the time of variant classification. Additional details can be found in publication PMID: 35346344, PMCID: PMC8962531

Labcorp Genetics (formerly Invitae), Labcorp
Classification: Uncertain significance for Hypertrophic cardiomyopathy. Last evaluated: 2022-06-03. Review status: criteria provided, single submitter. Criteria: Invitae Variant Classification Sherloc (09022015). Collection method: clinical testing. Allele origin: germline.
Comment: This sequence change replaces phenylalanine, which is neutral and non-polar, with leucine, which is neutral and non-polar, at codon 312 of the MYH7 protein (p.Phe312Leu). This variant is present in population databases (rs771522982, gnomAD 0.0009%). This variant has not been reported in the literature in individuals affected with MYH7-related conditions. ClinVar contains an entry for this variant (Variation ID: 684823). Algorithms developed to predict the effect of missense changes on protein structure and function are either unavailable or do not agree on the potential impact of this missense change (SIFT: "Deleterious"; PolyPhen-2: "Possibly Damaging"; Align-GVGD: "Class C0"). In summary, the available evidence is currently insufficient to determine the role of this variant in disease. Therefore, it has been classified as a Variant of Uncertain Significance.

Fulgent Genetics
Classification: Uncertain significance for MYH7-related skeletal myopathy; Myosin storage myopathy; Hypertrophic cardiomyopathy 1; Myopathy, myosin storage, autosomal recessive; Congenital myopathy 4A, autosomal dominant; Dilated cardiomyopathy 1S. Last evaluated: 2021-10-17. Review status: criteria provided, single submitter. Criteria: ACMG Guidelines, 2015. Collection method: clinical testing. Allele origin: unknown.

GeneDx
Classification: Uncertain significance. Last evaluated: 2019-08-06. Review status: criteria provided, single submitter. Criteria: GeneDx Variant Classification Process June 2021. Collection method: clinical testing. Allele origin: germline. Affected: yes.
Comment: Has not been previously published as pathogenic or benign to our knowledge; Not observed at a significant frequency in large population cohorts (Lek et al., 2016); In silico analysis, which includes protein predictors and evolutionary conservation, supports a deleterious effect

Revvity Omics, Revvity
Classification: Uncertain significance. Last evaluated: 2019-03-21. Review status: criteria provided, single submitter. Criteria: ACMG Guidelines, 2015. Collection method: clinical testing. Allele origin: germline.

Molecular Diagnostic Laboratory for Inherited Cardiovascular Disease, Montreal Heart Institute
Classification: Uncertain significance for Familial dilated cardiomyopathy. Review status: criteria provided, single submitter. Criteria: ACMG Guidelines, 2015. Collection method: clinical testing. Allele origin: germline. Affected: yes.

NM_000257.4(MYH7):c.936C>A (p.Phe312Leu)

Gene: MYH7 (myosin heavy chain 7; minus strand). Cytogenetic location: 14q11.2.
Variant type: single nucleotide variant.
Coding change: c.936C>A on transcript NM_000257.4 (MANE Select); coding-DNA position 936, C replaced by A.
Protein change: p.Phe312Leu; replaces phenylalanine 312 with leucine.
Molecular consequence: missense variant.
Genome position (GRCh38, 1-based): chr14:23,430,623, G>T on the plus strand (C>A on the coding strand, the complement: MYH7 is on the minus strand). VCF-style: chr14-23430623-G-T. GRCh37 (hg19) VCF-style: chr14-23899832-G-T.
Other names: short protein forms F312L.
Identifiers: ClinVar variation 684823 (VCV000684823.11), dbSNP rs771522982, ClinGen allele CA049759.
Genomic context (GRCh38, chr14:23,430,623, plus strand): 5'-AGTGGCCATGAGCTCCTCAGCGTCATCAATGGAGGCCACGGTGGTCTCTCCTTGGGAGAT[G>T]AATGCATAATCGTAGGGGTTGTTGGTGATCAGCAGCATGTCTAGGGGAAAAAACATGGTT-3'
Protein context (NP_000248.2, residues 302-322): LITNNPYDYA[Phe312Leu]ISQGETTVAS